The following is an entry in ClinVar:

NM_032531.4(KIRREL3):c.997+1G>A

Gene: KIRREL3 (kirre like nephrin family adhesion molecule 3; minus strand). Cytogenetic location: 11q24.2.
Variant type: single nucleotide variant.
Coding change: c.997+1G>A on transcript NM_032531.4 (MANE Select); the canonical splice donor site of the intron after coding-DNA position 997, G replaced by A.
Molecular consequence: splice donor variant.
Genome position (GRCh38, 1-based): chr11:126,449,008, C>T on the plus strand (G>A on the coding strand, the complement: KIRREL3 is on the minus strand). VCF-style: chr11-126449008-C-T. GRCh37 (hg19) VCF-style: chr11-126318903-C-T.
Other names: c.997+1G>A (NM_001441257.1, NM_001441258.1, NM_001441261.1 and 5 more transcripts); c.847+1G>A (NM_001441262.1); c.1036+1G>A (NM_001441256.1, NM_001441254.1, NM_001441263.1); c.1105+1G>A (NM_001441252.1); c.955+1G>A (NM_001441260.1, NM_001441259.1, NM_001441255.1).
Identifiers: ClinVar variation 422138 (VCV000422138.2), dbSNP rs1064795581, ClinGen allele CA16619291.

ClinVar aggregate classification (germline): Likely pathogenic (1 of 4 stars; one submission).

Submission:

GeneDx
Classification: Likely pathogenic. Last evaluated: 2016-12-07. Review status: criteria provided, single submitter. Criteria: GeneDx Variant Classification (06012015). Collection method: clinical testing. Allele origin: germline. Affected: yes.
Comment: The c.997+1 G>A variant in the KIRREL3 gene has not been reported previously as a pathogenic variant nor as a benign variant, to our knowledge. This splice site variant destroys the canonical splice donor site in intron 8. It is predicted to cause abnormal gene splicing, either leading to an abnormal message that is subject to nonsense-mediated mRNA decay, or to an abnormal protein product if the message is used for protein translation. The c.997+1 G>A variant was not observed in approximately 6300 individuals of European and African American ancestry in the NHLBI Exome Sequencing Project, indicating it is not a common benign variant in these populations. Testing the parents indicate that this variant likely arose de novo. The c.997+1 G>A variant is now classified as a likely pathogenic variant.